The following is an entry in ClinVar:

ClinVar aggregate classification (germline): Uncertain significance (1 of 4 stars; one submission).

Conditions:
Inborn genetic diseases. Identifiers: MedGen C0950123, MeSH D030342.

Submission:

Ambry Genetics
Classification: Uncertain significance for Inborn genetic diseases. Last evaluated: 2020-08-20. Review status: criteria provided, single submitter. Criteria: Ambry Variant Classification Scheme 2023. Collection method: clinical testing. Allele origin: germline.
Comment: The p.M117L variant (also known as c.349A>C), located in coding exon 6 of the LRSAM1 gene, results from an A to C substitution at nucleotide position 349. The methionine at codon 117 is replaced by leucine, an amino acid with highly similar properties. This amino acid position is poorly conserved in available vertebrate species. In addition, this alteration is predicted to be tolerated by in silico analysis. Since supporting evidence is limited at this time, the clinical significance of this alteration remains unclear.

NM_001005373.4(LRSAM1):c.349A>C (p.Met117Leu)

Gene: LRSAM1 (leucine rich repeat and sterile alpha motif containing 1; plus strand). Cytogenetic location: 9q33.3.
Variant type: single nucleotide variant.
Coding change: c.349A>C on transcript NM_001005373.4 (MANE Select); coding-DNA position 349, A replaced by C.
Protein change: p.Met117Leu; replaces methionine 117 with leucine.
Molecular consequence: missense variant. On other transcripts: 5 prime UTR variant (1), non-coding transcript variant (2).
Genome position (GRCh38, 1-based): chr9:127,461,200, A>C. VCF-style: chr9-127461200-A-C. GRCh37 (hg19) VCF-style: chr9-130223479-A-C.
Other names: c.349A>C, p.Met117Leu (NM_001005374.4, NM_001190723.3, NM_001384142.1 and 2 more transcripts); c.-436A>C (NM_001384144.1); short protein forms M117L.
Identifiers: ClinVar variation 1732015 (VCV001732015.2), dbSNP rs2539323906, ClinGen allele CA374967823.